The following is an entry in ClinVar:

NM_030665.4(RAI1):c.1656C>T (p.Ser552=)

Gene: RAI1 (retinoic acid induced 1; plus strand). Cytogenetic location: 17p11.2.
Variant type: single nucleotide variant.
Coding change: c.1656C>T on transcript NM_030665.4 (MANE Select); coding-DNA position 1656, C replaced by T.
Protein change: p.Ser552=; no amino-acid change (serine 552 retained).
Molecular consequence: synonymous variant.
Genome position (GRCh38, 1-based): chr17:17,794,604, C>T. VCF-style: chr17-17794604-C-T. GRCh37 (hg19) VCF-style: chr17-17697918-C-T.
Identifiers: ClinVar variation 196552 (VCV000196552.52), dbSNP rs148309343, ClinGen allele CA202436.

ClinVar aggregate classification (germline): Benign/Likely benign. Review status: criteria provided, multiple submitters, no conflicts (2 of 4 stars). 7 submissions from 7 submitters: Benign (2); Likely benign (4). 1 of the submissions does not count toward it. Last evaluated 2026-05-01.

Conditions:
RAI1-related disorder. Also called: RAI1-related condition.
Inborn genetic diseases. Identifiers: MedGen C0950123, MeSH D030342.

Allele frequency attached by ClinVar (database versions not stated): 1000 Genomes Project 30x 0.00016; 1000 Genomes Project 0.00020; TOPMed 0.00111; ESP Exome Variant Server 0.00138; gnomAD 0.00147 and 0.00153; gnomAD exomes 0.00149 and 0.00189; ExAC 0.00165.
gnomAD v4.1: 2,984 of 1,613,212 alleles (0.18%); highest among the groups gnomAD compares: Middle Eastern, 0.38%; 5 homozygotes.

Submissions (7):

CeGaT Center for Human Genetics Tuebingen
Classification: Likely benign. Last evaluated: 2026-05-01. Review status: criteria provided, single submitter. Criteria: CeGaT Center For Human Genetics Tuebingen Variant Classification Criteria Version 2. Collection method: clinical testing. Allele origin: germline. Affected: yes. Observed: 26 variant alleles.
Comment: RAI1: BP4, BP7, BS1

Labcorp Genetics (formerly Invitae), Labcorp
Classification: Benign. Last evaluated: 2026-02-03. Review status: criteria provided, single submitter. Criteria: Invitae Variant Classification Sherloc (09022015). Collection method: clinical testing. Allele origin: germline.

Blueprint Genetics
Classification: Likely benign. Last evaluated: 2024-11-20. Review status: criteria provided, single submitter. Criteria: ACMG Guidelines, 2015. Collection method: clinical testing. Allele origin: germline.

Ambry Genetics
Classification: Likely benign for Inborn genetic diseases. Last evaluated: 2016-06-07. Review status: criteria provided, single submitter. Criteria: Ambry Variant Classification Scheme 2023. Collection method: clinical testing. Allele origin: germline.

GeneDx
Classification: Benign. Last evaluated: 2015-03-03. Review status: criteria provided, single submitter. Criteria: GeneDx Variant Classification Process June 2021. Collection method: clinical testing. Allele origin: germline. Affected: yes.

Eurofins Ntd Llc (ga)
Classification: Likely benign. Last evaluated: 2014-08-15. Review status: criteria provided, single submitter. Criteria: EGL Classification Definitions 2015. Collection method: clinical testing. Allele origin: germline. Observed: 1 variant allele, 1 heterozygote.

PreventionGenetics, part of Exact Sciences
Classification: Likely benign for RAI1-related condition. Last evaluated: 2019-03-08. Review status: no assertion criteria provided. Collection method: clinical testing. Allele origin: germline. Not counted in ClinVar's aggregate classification.
Comment: This variant is classified as likely benign based on ACMG/AMP sequence variant interpretation guidelines (Richards et al. 2015 PMID: 25741868, with internal and published modifications).